The following is an entry in ClinVar:

ClinVar aggregate classification (germline): Likely benign (1 of 4 stars; one submission).

gnomAD v4.1: 14,232 of 1,614,212 alleles (0.88%); highest among the groups gnomAD compares: Non-Finnish European, 0.98%; 90 homozygotes.

Submission:

CeGaT Center for Human Genetics Tuebingen
Classification: Likely benign. Last evaluated: 2025-08-01. Review status: criteria provided, single submitter. Criteria: CeGaT Center For Human Genetics Tuebingen Variant Classification Criteria Version 2. Collection method: clinical testing. Allele origin: germline. Affected: yes. Observed: 1 variant allele.
Comment: TSC22D1: BP4, BS2

NM_183422.4(TSC22D1):c.2695G>A (p.Ala899Thr)

Gene: TSC22D1 (TSC22 domain family member 1; minus strand). Cytogenetic location: 13q14.11.
Variant type: single nucleotide variant.
Coding change: c.2695G>A on transcript NM_183422.4 (MANE Select); coding-DNA position 2695, G replaced by A.
Protein change: p.Ala899Thr; replaces alanine 899 with threonine.
Molecular consequence: missense variant. On other transcripts: intron variant (1).
Genome position (GRCh38, 1-based): chr13:44,573,380, C>T on the plus strand (G>A on the coding strand, the complement: TSC22D1 is on the minus strand). VCF-style: chr13-44573380-C-T. GRCh37 (hg19) VCF-style: chr13-45147516-C-T.
Other names: c.1663+1032G>A (NM_001243799.1); short protein forms A899T.
Identifiers: ClinVar variation 4083543 (VCV004083543.8).